The following is an entry in ClinVar:

ClinVar aggregate classification (germline): Uncertain significance (1 of 4 stars; one submission).

Conditions:
Dilated cardiomyopathy 1O (CMD1O). Also called: CARDIOMYOPATHY, DILATED, WITH VENTRICULAR TACHYCARDIA. Identifiers: Orphanet 154, MedGen C1837839, MONDO:0012062, OMIM 608569.

Submission:

Labcorp Genetics (formerly Invitae), Labcorp
Classification: Uncertain significance for Dilated cardiomyopathy 1O. Last evaluated: 2023-10-15. Review status: criteria provided, single submitter. Criteria: Invitae Variant Classification Sherloc (09022015). Collection method: clinical testing. Allele origin: germline.
Comment: This sequence change replaces glycine, which is neutral and non-polar, with alanine, which is neutral and non-polar, at codon 800 of the ABCC9 protein (p.Gly800Ala). This variant is not present in population databases (gnomAD no frequency). This variant has not been reported in the literature in individuals affected with ABCC9-related conditions. Advanced modeling of protein sequence and biophysical properties (such as structural, functional, and spatial information, amino acid conservation, physicochemical variation, residue mobility, and thermodynamic stability) performed at Invitae indicates that this missense variant is expected to disrupt ABCC9 protein function. In summary, the available evidence is currently insufficient to determine the role of this variant in disease. Therefore, it has been classified as a Variant of Uncertain Significance.

NM_020297.4(ABCC9):c.2399G>C (p.Gly800Ala)

Gene: ABCC9 (ATP binding cassette subfamily C member 9; minus strand). Cytogenetic location: 12p12.1.
Variant type: single nucleotide variant.
Coding change: c.2399G>C on transcript NM_020297.4 (MANE Select); coding-DNA position 2399, G replaced by C.
Protein change: p.Gly800Ala; replaces glycine 800 with alanine.
Molecular consequence: missense variant.
Genome position (GRCh38, 1-based): chr12:21,860,996, C>G on the plus strand (G>C on the coding strand, the complement: ABCC9 is on the minus strand). VCF-style: chr12-21860996-C-G. GRCh37 (hg19) VCF-style: chr12-22013930-C-G.
Other names: c.2399G>C, p.Gly800Ala (NM_001377273.1, NM_005691.4); c.1532G>C, p.Gly511Ala (NM_001377274.1); short protein forms G511A, G800A.
Identifiers: ClinVar variation 2956301 (VCV002956301.3), dbSNP rs1220825412, ClinGen allele CA384128101.